The following is an entry in ClinVar:

NM_000035.4(ALDOB):c.1007_1008delinsT (p.Cys336fs)

Gene: ALDOB (aldolase, fructose-bisphosphate B; minus strand). Cytogenetic location: 9q31.1.
Variant type: Indel.
Coding change: c.1007_1008delinsT on transcript NM_000035.4 (MANE Select); coding-DNA positions 1007 to 1008, GC replaced by T.
Protein change: p.Cys336fs; shifts the reading frame from cysteine 336.
Molecular consequence: frameshift variant.
Genome position (GRCh38, 1-based): chr9:101,421,896-101,421,897, GC replaced by A on the plus strand (GC replaced by T on the coding strand, the reverse complement: ALDOB is on the minus strand). VCF-style: chr9-101421896-GC-A. GRCh37 (hg19) VCF-style: chr9-104184178-GC-A.
Other names: short protein forms C336fs.
Identifiers: ClinVar variation 2739775 (VCV002739775.3), dbSNP rs1831052831, ClinGen allele CA1139661093.

ClinVar aggregate classification (germline): Likely pathogenic (1 of 4 stars; one submission).

Conditions:
Hereditary fructosuria. Also called: Fructose intolerance; ALDOB DEFICIENCY; ALDOLASE B DEFICIENCY; FRUCTOSE-1,6-BISPHOSPHATE ALDOLASE B DEFICIENCY; FRUCTOSE-1-PHOSPHATE ALDOLASE DEFICIENCY; FRUCTOSEMIA. Identifiers: Orphanet 469, MedGen C0016751, MONDO:0009249, OMIM 229600, HP:0005973. Disease mechanism: loss of function.

Submission:

Labcorp Genetics (formerly Invitae), Labcorp
Classification: Likely pathogenic for Hereditary fructosuria. Last evaluated: 2019-09-13. Review status: criteria provided, single submitter. Criteria: Invitae Variant Classification Sherloc (09022015). Collection method: clinical testing. Allele origin: germline.
Comment: In summary, the currently available evidence indicates that the variant is pathogenic, but additional data are needed to prove that conclusively. Therefore, this variant has been classified as Likely Pathogenic. This variant disrupts the p.Ala338 amino acid residue in ALDOB. Other variant(s) that disrupt this residue have been determined to be pathogenic (PMID: 9610797, 25595217, 18541450). This suggests that this residue is clinically significant, and that variants that disrupt this residue are likely to be disease-causing. This variant has not been reported in the literature in individuals with ALDOB-related conditions. This variant is not present in population databases (ExAC no frequency). This sequence change results in a frameshift in the ALDOB gene (p.Cys336Phefs*37). While this is not anticipated to result in nonsense mediated decay, it is expected to disrupt the last 29 amino acids of the ALDOB protein and extend the protein by an additional 7 amino acids.

Literature cited by the submitters: PubMed 9610797; PubMed 25595217; PubMed 18541450.